The following is an entry in ClinVar:

ClinVar aggregate classification (germline): Pathogenic. Review status: criteria provided, multiple submitters, no conflicts (2 of 4 stars). 3 submissions from 3 submitters: Pathogenic (3). Last evaluated 2024-05-30.

Conditions:
Hereditary cancer-predisposing syndrome. Also called: Tumor predisposition; Hereditary Cancer Syndrome; Hereditary neoplastic syndrome; Neoplastic Syndromes, Hereditary. Identifiers: Orphanet 140162, MedGen C0027672, MeSH D009386, MONDO:0015356.
Cardiovascular phenotype. Identifiers: MedGen CN230736.
NF1-related disorder. Also called: NF1-related condition. Identifiers: MedGen CN379171.
Neurofibromatosis, type 1 (NF1). Also called: Neurofibromatosis, type I; NEUROFIBROMATOSIS, TYPE I, SOMATIC; VON RECKLINGHAUSEN DISEASE; Peripheral type neurofibromatosis. Identifiers: Orphanet 636, MedGen C0027831, MONDO:0018975, OMIM 162200. Disease mechanism: loss of function.

Submissions (3):

Blueprint Genetics
Classification: Pathogenic for NF1-related disorders. Last evaluated: 2024-05-30. Review status: criteria provided, single submitter. Criteria: ACMG Guidelines, 2015. Collection method: clinical testing. Allele origin: germline. Affected: yes. Observed: 1 variant allele.

Labcorp Genetics (formerly Invitae), Labcorp
Classification: Pathogenic for Neurofibromatosis, type 1. Last evaluated: 2022-01-01. Review status: criteria provided, single submitter. Criteria: Invitae Variant Classification Sherloc (09022015). Collection method: clinical testing. Allele origin: germline.
Comment: This variant is not present in population databases (gnomAD no frequency). This sequence change creates a premature translational stop signal (p.Phe1037Leufs*6) in the NF1 gene. It is expected to result in an absent or disrupted protein product. Loss-of-function variants in NF1 are known to be pathogenic (PMID: 10712197, 23913538). ClinVar contains an entry for this variant (Variation ID: 429008). This premature translational stop signal has been observed in individual(s) with neurofibromatosis type 1 (PMID: 17311297). For these reasons, this variant has been classified as Pathogenic.

Ambry Genetics
Classification: Pathogenic for Cardiovascular phenotype; Hereditary cancer-predisposing syndrome. Last evaluated: 2016-09-08. Review status: criteria provided, single submitter. Criteria: Ambry Variant Classification Scheme 2023. Collection method: clinical testing. Allele origin: germline.
Comment: The c.3111delT mutation, located in coding exon 23 of the NF1 gene, results from a deletion of one nucleotide at nucleotide position 3111, causing a translational frameshift with a predicted alternate stop codon. This mutation has been detected in an individual fulfilling NIH diagnostic criteria for NF1 (Wimmer K et al. Hum. Mutat., 2007 Jun;28:599-612). In addition to the clinical data presented in the literature, this alteration is expected to result in loss of function by premature protein truncation or nonsense-mediated mRNA decay. As such, this alteration is interpreted as a disease-causing mutation.

Literature cited by the submitters: PubMed 10712197 (cited by Labcorp Genetics (formerly Invitae), Labcorp); PubMed 23913538 (cited by Labcorp Genetics (formerly Invitae), Labcorp); PubMed 17311297 (cited by Labcorp Genetics (formerly Invitae), Labcorp).

NM_001042492.3(NF1):c.3111del (p.Phe1037fs)

Gene: NF1 (neurofibromin 1; plus strand). Cytogenetic location: 17q11.2.
Variant type: Deletion.
Coding change: c.3111del on transcript NM_001042492.3 (MANE Select); coding-DNA position 3111, one base deleted (T; older notation c.3111delT).
Protein change: p.Phe1037fs; shifts the reading frame from phenylalanine 1037.
Molecular consequence: frameshift variant.
Genome position (GRCh38, 1-based): chr17:31,230,380, T deleted; the last of 3 consecutive T bases (chr17:31,230,378-31,230,380); deleting any one gives the same sequence. VCF-style (leftmost placement, unchanged base first): chr17-31230377-AT-A. GRCh37 (hg19) VCF-style: chr17-29557395-AT-A.
Other names: c.3111delT (NM_000267.3); c.3111delT, p.Phe1037Leufs (NM_000267.4); short protein forms F1037fs.
Identifiers: ClinVar variation 429008 (VCV000429008.11), dbSNP rs1131691127, ClinGen allele CA645369646.